The following is an entry in ClinVar:

NM_020163.3(SEMA3G):c.2170G>A (p.Glu724Lys)

Gene: SEMA3G (semaphorin 3G; minus strand). Cytogenetic location: 3p21.1.
Variant type: single nucleotide variant.
Coding change: c.2170G>A on transcript NM_020163.3 (MANE Select); coding-DNA position 2170, G replaced by A.
Protein change: p.Glu724Lys; replaces glutamic acid 724 with lysine.
Molecular consequence: missense variant.
Genome position (GRCh38, 1-based): chr3:52,435,782, C>T on the plus strand (G>A on the coding strand, the complement: SEMA3G is on the minus strand). VCF-style: chr3-52435782-C-T. GRCh37 (hg19) VCF-style: chr3-52469798-C-T.
Other names: short protein forms E724K.
Identifiers: ClinVar variation 4983923 (VCV004983923.1).

ClinVar aggregate classification (germline): Uncertain significance (1 of 4 stars; one submission).

Conditions:
SEMA3G-related disorder. Also called: SEMA3G-related condition.

gnomAD v4.1: 3 of 1,614,180 alleles (0.00019%); highest among the groups gnomAD compares: Middle Eastern, 0.016%; no homozygotes.

Submission:

PreventionGenetics, part of Exact Sciences
Classification: Uncertain significance for SEMA3G-related condition. Last evaluated: 2025-03-26. Review status: criteria provided, single submitter. Criteria: ACMG Guidelines, 2015. Collection method: clinical testing. Allele origin: germline.
Comment: The SEMA3G c.2170G>A variant is predicted to result in the amino acid substitution p.Glu724Lys. To our knowledge, this variant has not been reported in the literature or in a large population database (gnomAD), indicating this variant is rare. At this time, the clinical significance of this variant is uncertain due to the absence of conclusive functional and genetic evidence.